The following is an entry in ClinVar:

ClinVar aggregate classification (germline): Uncertain significance. Review status: criteria provided, multiple submitters, no conflicts (2 of 4 stars). 2 submissions from 2 submitters: Uncertain significance (2). Last evaluated 2023-02-02.

Allele frequency attached by ClinVar (database versions not stated): gnomAD exomes 0.00002 and 0.00005; ExAC 0.00007; ESP Exome Variant Server 0.00008; gnomAD 0.00013 and 0.00016; 1000 Genomes Project 30x 0.00016; TOPMed 0.00016; 1000 Genomes Project 0.00020.
gnomAD v4.1: 47 of 1,569,580 alleles (0.003%); highest among the groups gnomAD compares: African/African-American, 0.05%; no homozygotes.

Submissions (2):

GeneDx
Classification: Uncertain significance. Last evaluated: 2023-02-02. Review status: criteria provided, single submitter. Criteria: GeneDx Variant Classification Process June 2021. Collection method: clinical testing. Allele origin: germline. Affected: yes.
Comment: In silico analysis supports that this missense variant has a deleterious effect on protein structure/function; Has not been previously published as pathogenic or benign to our knowledge

Labcorp Genetics (formerly Invitae), Labcorp
Classification: Uncertain significance. Last evaluated: 2022-05-12. Review status: criteria provided, single submitter. Criteria: Invitae Variant Classification Sherloc (09022015). Collection method: clinical testing. Allele origin: germline.
Comment: This sequence change replaces glutamic acid, which is acidic and polar, with lysine, which is basic and polar, at codon 617 of the DOCK6 protein (p.Glu617Lys). This variant is present in population databases (rs367747093, gnomAD 0.04%). This variant has not been reported in the literature in individuals affected with DOCK6-related conditions. Algorithms developed to predict the effect of missense changes on protein structure and function are either unavailable or do not agree on the potential impact of this missense change (SIFT: "Deleterious"; PolyPhen-2: "Probably Damaging"; Align-GVGD: "Class C0"). In summary, the available evidence is currently insufficient to determine the role of this variant in disease. Therefore, it has been classified as a Variant of Uncertain Significance.

NM_020812.4(DOCK6):c.1849G>A (p.Glu617Lys)

Gene: DOCK6 (dedicator of cytokinesis 6; minus strand). Cytogenetic location: 19p13.2.
Variant type: single nucleotide variant.
Coding change: c.1849G>A on transcript NM_020812.4 (MANE Select); coding-DNA position 1849, G replaced by A.
Protein change: p.Glu617Lys; replaces glutamic acid 617 with lysine.
Molecular consequence: missense variant.
Genome position (GRCh38, 1-based): chr19:11,237,763, C>T on the plus strand (G>A on the coding strand, the complement: DOCK6 is on the minus strand). VCF-style: chr19-11237763-C-T. GRCh37 (hg19) VCF-style: chr19-11348439-C-T.
Other names: c.1849G>A, p.Glu617Lys (NM_001367830.1); c.1849G>A (NM_020812.3); short protein forms E617K.
Identifiers: ClinVar variation 1403326 (VCV001403326.5), dbSNP rs367747093, ClinGen allele CA9207815.